The following is an entry in ClinVar:

ClinVar aggregate classification (germline): Uncertain significance. Review status: criteria provided, multiple submitters, no conflicts (2 of 4 stars). 2 submissions from 2 submitters: Uncertain significance (2). Last evaluated 2024-10-17.

Conditions:
EPILEPSY, CHILDHOOD ABSENCE, SUSCEPTIBILITY TO, 2 (ECA2). Identifiers: Orphanet 64280, MedGen C1843244, OMIM 607681.
Febrile seizures, familial, 8 (FEB8). Also called: CONVULSIONS, FAMILIAL FEBRILE, 8. Identifiers: Orphanet 36387, MedGen C1969810, MONDO:0011891, OMIM 607681.

Allele frequency attached by ClinVar (database versions not stated): gnomAD exomes below 0.00001.
gnomAD v4.1: 1 of 1,614,140 alleles (0.000062%); highest among the groups gnomAD compares: Non-Finnish European, 0.000085%; no homozygotes.

Submissions (2):

GeneDx
Classification: Uncertain significance. Last evaluated: 2024-10-17. Review status: criteria provided, single submitter. Criteria: GeneDx Variant Classification Process June 2021. Collection method: clinical testing. Allele origin: germline. Affected: yes.
Comment: Not observed at significant frequency in large population cohorts (gnomAD); In silico analysis supports that this missense variant has a deleterious effect on protein structure/function; Has not been previously published as pathogenic or benign to our knowledge

Labcorp Genetics (formerly Invitae), Labcorp
Classification: Uncertain significance for Febrile seizures, familial, 8; EPILEPSY, CHILDHOOD ABSENCE, SUSCEPTIBILITY TO, 2. Last evaluated: 2023-01-15. Review status: criteria provided, single submitter. Criteria: Invitae Variant Classification Sherloc (09022015). Collection method: clinical testing. Allele origin: germline.
Comment: In summary, the available evidence is currently insufficient to determine the role of this variant in disease. Therefore, it has been classified as a Variant of Uncertain Significance. Advanced modeling of protein sequence and biophysical properties (such as structural, functional, and spatial information, amino acid conservation, physicochemical variation, residue mobility, and thermodynamic stability) performed at Invitae indicates that this missense variant is expected to disrupt GABRG2 protein function. This variant has not been reported in the literature in individuals affected with GABRG2-related conditions. This variant is not present in population databases (gnomAD no frequency). This sequence change replaces serine, which is neutral and polar, with threonine, which is neutral and polar, at codon 330 of the GABRG2 protein (p.Ser330Thr).

NM_198904.4(GABRG2):c.988T>A (p.Ser330Thr)

Gene: GABRG2 (gamma-aminobutyric acid type A receptor subunit gamma2; plus strand). Cytogenetic location: 5q34.
Variant type: single nucleotide variant.
Coding change: c.988T>A on transcript NM_198904.4 (MANE Select); coding-DNA position 988, T replaced by A.
Protein change: p.Ser330Thr; replaces serine 330 with threonine.
Molecular consequence: missense variant. On other transcripts: intron variant (1).
Genome position (GRCh38, 1-based): chr5:162,149,173, T>A. VCF-style: chr5-162149173-T-A. GRCh37 (hg19) VCF-style: chr5-161576179-T-A.
Other names: c.988T>A, p.Ser330Thr (NM_000816.3); c.979T>A, p.Ser327Thr (NM_001375339.1); c.985T>A, p.Ser329Thr (NM_001375341.1, NM_001375342.1); c.1108T>A, p.Ser370Thr (NM_001375343.1, NM_198903.2); c.1027T>A, p.Ser343Thr (NM_001375344.1); c.922T>A, p.Ser308Thr (NM_001375345.1, NM_001375346.1); c.901T>A, p.Ser301Thr (NM_001375347.1); c.568T>A, p.Ser190Thr (NM_001375348.1, NM_001375350.1); and 2 more; short protein forms S190T, S343T, S327T, S301T, S308T, S235T, S329T, S330T.
Identifiers: ClinVar variation 2942062 (VCV002942062.3), dbSNP rs2532756345, ClinGen allele CA362182430.